The following is an entry in ClinVar:

NM_000044.6(AR):c.2546dup (p.Asn849fs)

Gene: AR (androgen receptor; plus strand). Cytogenetic location: Xq12.
Variant type: Duplication.
Coding change: c.2546dup on transcript NM_000044.6 (MANE Select); coding-DNA position 2546, one base duplicated (A; older notation c.2546dupA).
Protein change: p.Asn849fs; shifts the reading frame from asparagine 849.
Molecular consequence: frameshift variant.
Genome position (GRCh38, 1-based): chrX:67,722,923, A duplicated; the last of 6 consecutive A bases (chrX:67,722,918-67,722,923); duplicating any one gives the same sequence. VCF-style (leftmost placement, unchanged base first): chrX-67722917-G-GA. GRCh37 (hg19) VCF-style: chrX-66942759-G-GA.
Other names: c.950dup, p.Asn317fs (NM_001011645.3); short protein forms N317fs, N849fs.
Identifiers: ClinVar variation 649268 (VCV000649268.11), dbSNP rs1602279488, ClinGen allele CA915951140.
Genomic context (GRCh38, chrX:67,722,917, plus strand): 5'-TCTTTGATGAACTTCGAATGAACTACATCAAGGAACTCGATCGTATCATTGCATGCAAAA[G>GA]AAAAAATCCCACATCCTGCTCAAGACGCTTCTACCAGCTCACCAAGCTCCTGGACTCCGT-3'

ClinVar aggregate classification (germline): Pathogenic. Review status: criteria provided, multiple submitters, no conflicts (2 of 4 stars). 2 submissions from 2 submitters: Pathogenic (2). Last evaluated 2024-09-21.

Conditions:
Androgen resistance syndrome (AIS). Also called: ANDROGEN RECEPTOR DEFICIENCY; DIHYDROTESTOSTERONE RECEPTOR DEFICIENCY; Androgen insensitivity syndrome; Androgen insensitivity, complete; Androgen insensitivity syndrome due to coactivator deficiency; Androgen insensitivity. Identifiers: Orphanet 754, Orphanet 99429, MedGen C0039585, MONDO:0019154, OMIM 300068. Disease mechanism: loss of function.
Kennedy disease (SMAX1). Also called: SPINAL AND BULBAR MUSCULAR ATROPHY, X-LINKED 1; KENNEDY SPINAL AND BULBAR MUSCULAR ATROPHY; Spinal and Bulbar Muscular Atrophy. Identifiers: Orphanet 481, MedGen C1839259, MONDO:0010735, OMIM 313200.
AR-related disorders.

Submissions (2):

Labcorp Genetics (formerly Invitae), Labcorp
Classification: Pathogenic for Kennedy disease; Androgen resistance syndrome. Last evaluated: 2024-09-21. Review status: criteria provided, single submitter. Criteria: Invitae Variant Classification Sherloc (09022015). Collection method: clinical testing. Allele origin: germline.
Comment: This sequence change creates a premature translational stop signal (p.Asn849Lysfs*32) in the AR gene. While this is not anticipated to result in nonsense mediated decay, it is expected to disrupt the last 72 amino acid(s) of the AR protein. This variant is not present in population databases (gnomAD no frequency). This premature translational stop signal has been observed in individual(s) with androgen insensitivity syndrome (PMID: 10690872, 27899157, 28456808; internal data). This variant is also known as c.2540_2541insA and frameshift at codon 848. ClinVar contains an entry for this variant (Variation ID: 649268). Algorithms developed to predict the effect of variants on gene product structure and function are not available or were not evaluated for this variant. Experimental studies have shown that this premature translational stop signal affects AR function (PMID: 10690872). For these reasons, this variant has been classified as Pathogenic.

Blueprint Genetics
Classification: Pathogenic for AR-related disorders. Last evaluated: 2022-05-12. Review status: criteria provided, single submitter. Criteria: ACMG Guidelines, 2015. Collection method: clinical testing. Allele origin: germline. Affected: yes. Observed: 1 variant allele.

Literature cited by the submitters: PubMed 10690872 (cited by Labcorp Genetics (formerly Invitae), Labcorp); PubMed 27899157 (cited by Labcorp Genetics (formerly Invitae), Labcorp); PubMed 28456808 (cited by Labcorp Genetics (formerly Invitae), Labcorp).